The following is an entry in ClinVar:

ClinVar aggregate classification (germline): Uncertain significance (1 of 4 stars; one submission).

Submission:

Labcorp Genetics (formerly Invitae), Labcorp
Classification: Uncertain significance. Last evaluated: 2021-09-07. Review status: criteria provided, single submitter. Criteria: Invitae Variant Classification Sherloc (09022015). Collection method: clinical testing. Allele origin: germline.
Comment: This sequence change replaces glycine with arginine at codon 187 of the LOXL3 protein (p.Gly187Arg). The glycine residue is highly conserved and there is a moderate physicochemical difference between glycine and arginine. This variant is not present in population databases (ExAC no frequency). This variant has been observed in individual(s) with Stickler syndrome (Invitae). Algorithms developed to predict the effect of missense changes on protein structure and function (SIFT, PolyPhen-2, Align-GVGD) all suggest that this variant is likely to be disruptive. In summary, the available evidence is currently insufficient to determine the role of this variant in disease. Therefore, it has been classified as a Variant of Uncertain Significance.

NM_032603.5(LOXL3):c.559G>A (p.Gly187Arg)

Genes: DOK1 (docking protein 1; plus strand), LOXL3 (lysyl oxidase like 3; minus strand). Cytogenetic location: 2p13.1.
Variant type: single nucleotide variant.
Coding change: c.559G>A on transcript NM_032603.5 (MANE Select); coding-DNA position 559, G replaced by A.
Protein change: p.Gly187Arg; replaces glycine 187 with arginine.
Molecular consequence: missense variant. On other transcripts: 5 prime UTR variant (1), intron variant (2).
Genome position (GRCh38, 1-based): chr2:74,549,502, C>T on the plus strand (G>A on the coding strand, the complement: LOXL3 is on the minus strand). VCF-style: chr2-74549502-C-T. GRCh37 (hg19) VCF-style: chr2-74776629-C-T.
Other names: c.-305G>A (NM_001289165.2); c.477+683G>A (NM_001289164.3); c.-358+330C>T (NM_001197260.2); short protein forms G187R.
Identifiers: ClinVar variation 1364219 (VCV001364219.9), dbSNP rs2104441544, ClinGen allele CA347394939.
Genomic context (GRCh38, chr2:74,549,502, plus strand): 5'-CGCTCCAGCCTTTGTCGCACACTTGCGACCAGCCGTCAGGAAGCCTGACTTCCACCAGCC[C>T]CTCCGTCACGGGCAGGGGTCGTCTGCCCCACCCAACGGCGGGTCGAATTCGCACCTCCTC-3'
Protein context (NP_115992.1, residues 177-197): WGRRPLPVTE[Gly187Arg]LVEVRLPDGW